The following is an entry in ClinVar:

NM_173651.4(FSIP2):c.13920C>A (p.Gly4640=)

Gene: FSIP2 (fibrous sheath interacting protein 2; plus strand). Cytogenetic location: 2q32.1.
Variant type: single nucleotide variant.
Coding change: c.13920C>A on transcript NM_173651.4 (MANE Select); coding-DNA position 13920, C replaced by A.
Protein change: p.Gly4640=; no amino-acid change (glycine 4640 retained).
Molecular consequence: synonymous variant.
Genome position (GRCh38, 1-based): chr2:185,803,226, C>A. VCF-style: chr2-185803226-C-A. GRCh37 (hg19) VCF-style: chr2-186667953-C-A.
Identifiers: ClinVar variation 3059053 (VCV003059053.2), dbSNP rs561345452, ClinGen allele CA61754002.
Genomic context (GRCh38, chr2:185,803,226, plus strand): 5'-AACATTCTTGGAAGATGTAATCTCTGGGGTTTTAAGAAAAATATTCCACAGGGTAGTAGG[C>A]ATTGTACAAACAAAATCCATAAGAGATTCAGAAGATGAACTGTTTGAGAAAGCTGAAGAA-3'
Protein context (NP_775922.3, residues 4630-4650): VLRKIFHRVV[Gly4640=]IVQTKSIRDS

ClinVar aggregate classification (germline): Likely benign (0 of 4 stars; one submission).

Conditions:
FSIP2-related disorder. Also called: FSIP2-related condition.

Allele frequency attached by ClinVar (database versions not stated): gnomAD 0.00005; TOPMed 0.00008; 1000 Genomes Project 30x 0.00016; 1000 Genomes Project 0.00020.
gnomAD v4.1: 20 of 1,530,034 alleles (0.0013%); highest among the groups gnomAD compares: African/African-American, 0.017%; no homozygotes.

Submission:

PreventionGenetics, part of Exact Sciences
Classification: Likely benign for FSIP2-related condition. Last evaluated: 2019-04-16. Review status: no assertion criteria provided. Collection method: clinical testing. Allele origin: germline.
Comment: This variant is classified as likely benign based on ACMG/AMP sequence variant interpretation guidelines (Richards et al. 2015 PMID: 25741868, with internal and published modifications).